The following is an entry in ClinVar:

NM_001605.3(AARS1):c.2476A>C (p.Met826Leu)

Gene: AARS1 (alanyl-tRNA synthetase 1; minus strand). Cytogenetic location: 16q22.1.
Variant type: single nucleotide variant.
Coding change: c.2476A>C on transcript NM_001605.3 (MANE Select); coding-DNA position 2476, A replaced by C.
Protein change: p.Met826Leu; replaces methionine 826 with leucine.
Molecular consequence: missense variant.
Genome position (GRCh38, 1-based): chr16:70,253,963, T>G on the plus strand (A>C on the coding strand, the complement: AARS1 is on the minus strand). VCF-style: chr16-70253963-T-G. GRCh37 (hg19) VCF-style: chr16-70287866-T-G.
Other names: short protein forms M826L.
Identifiers: ClinVar variation 2415490 (VCV002415490.6), dbSNP rs766651955, ClinGen allele CA8140400.

ClinVar aggregate classification (germline): Uncertain significance (1 of 4 stars; one submission).

Conditions:
Charcot-Marie-Tooth disease type 2. Also called: Charcot-Marie-Tooth type 2. Identifiers: Orphanet 64746, MedGen C0270914, MONDO:0018993.

Allele frequency attached by ClinVar (database versions not stated): gnomAD exomes below 0.00001; ExAC 0.00001.
gnomAD v4.1: 1 of 1,614,206 alleles (0.000062%); highest among the groups gnomAD compares: Non-Finnish European, 0.000085%; no homozygotes.

Submission:

Labcorp Genetics (formerly Invitae), Labcorp
Classification: Uncertain significance for Charcot-Marie-Tooth disease type 2. Last evaluated: 2022-03-28. Review status: criteria provided, single submitter. Criteria: Invitae Variant Classification Sherloc (09022015). Collection method: clinical testing. Allele origin: germline.
Comment: This sequence change replaces methionine, which is neutral and non-polar, with leucine, which is neutral and non-polar, at codon 826 of the AARS protein (p.Met826Leu). In summary, the available evidence is currently insufficient to determine the role of this variant in disease. Therefore, it has been classified as a Variant of Uncertain Significance. Algorithms developed to predict the effect of missense changes on protein structure and function are either unavailable or do not agree on the potential impact of this missense change (SIFT: "Tolerated"; PolyPhen-2: "Possibly Damaging"; Align-GVGD: "Class C0"). This variant has not been reported in the literature in individuals affected with AARS-related conditions. This variant is present in population databases (rs766651955, gnomAD 0.0009%).